The following is an entry in ClinVar:

ClinVar aggregate classification (germline): Uncertain significance (1 of 4 stars; one submission).

Allele frequency attached by ClinVar (database versions not stated): ExAC 0.00002; gnomAD exomes 0.00002; gnomAD 0.00001.

Submission:

Labcorp Genetics (formerly Invitae), Labcorp
Classification: Uncertain significance. Last evaluated: 2022-09-06. Review status: criteria provided, single submitter. Criteria: Invitae Variant Classification Sherloc (09022015). Collection method: clinical testing. Allele origin: germline.
Comment: This sequence change replaces glycine, which is neutral and non-polar, with serine, which is neutral and polar, at codon 89 of the COX6A1 protein (p.Gly89Ser). This variant is present in population databases (rs765679027, gnomAD 0.01%). This variant has not been reported in the literature in individuals affected with COX6A1-related conditions. ClinVar contains an entry for this variant (Variation ID: 1483252). Algorithms developed to predict the effect of missense changes on protein structure and function (SIFT, PolyPhen-2, Align-GVGD) all suggest that this variant is likely to be disruptive. In summary, the available evidence is currently insufficient to determine the role of this variant in disease. Therefore, it has been classified as a Variant of Uncertain Significance.

NM_004373.4(COX6A1):c.265G>A (p.Gly89Ser)

Gene: COX6A1 (cytochrome c oxidase subunit 6A1; plus strand). Cytogenetic location: 12q24.31.
Variant type: single nucleotide variant.
Coding change: c.265G>A on transcript NM_004373.4 (MANE Select); coding-DNA position 265, G replaced by A.
Protein change: p.Gly89Ser; replaces glycine 89 with serine.
Molecular consequence: missense variant.
Genome position (GRCh38, 1-based): chr12:120,440,472, G>A. VCF-style: chr12-120440472-G-A. GRCh37 (hg19) VCF-style: chr12-120878275-G-A.
Other names: short protein forms G89S.
Identifiers: ClinVar variation 1483252 (VCV001483252.6), dbSNP rs765679027, ClinGen allele CA6828061.